The following is an entry in ClinVar:

NM_024675.4(PALB2):c.1465del (p.Ser489fs)

Gene: PALB2 (partner and localizer of BRCA2; minus strand). Cytogenetic location: 16p12.2.
Variant type: Deletion.
Coding change: c.1465del on transcript NM_024675.4 (MANE Select); coding-DNA position 1465, one base deleted (T; older notation c.1465delT).
Protein change: p.Ser489fs; shifts the reading frame from serine 489.
Molecular consequence: frameshift variant.
Genome position (GRCh38, 1-based): chr16:23,635,081, A deleted on the plus strand (T on the coding strand, the reverse complement: PALB2 is on the minus strand). VCF-style (leftmost placement, unchanged base first): chr16-23635080-GA-G. GRCh37 (hg19) VCF-style: chr16-23646401-GA-G.
Other names: c.1465delT (NM_024675.3); short protein forms S489fs.
Identifiers: ClinVar variation 418393 (VCV000418393.3), dbSNP rs1064793220, ClinGen allele CA16620144.

ClinVar aggregate classification (germline): Pathogenic. Review status: criteria provided, multiple submitters, no conflicts (2 of 4 stars). 2 submissions from 2 submitters: Pathogenic (2). Last evaluated 2023-08-24.

Conditions:
Familial cancer of breast. Also called: Hereditary breast cancer; BREAST CANCER, FAMILIAL; hereditary breast carcinoma. Identifiers: Orphanet 227535, MedGen C0346153, MONDO:0016419, OMIM 114480. Disease mechanism: loss of function.

Submissions (2):

Myriad Genetics, Inc.
Classification: Pathogenic for Familial cancer of breast. Last evaluated: 2023-08-24. Review status: criteria provided, single submitter. Criteria: Myriad Autosomal Dominant, Autosomal Recessive and X-Linked Classification Criteria (2023). Collection method: clinical testing. Allele origin: unknown.
Comment: This variant is considered pathogenic. This variant creates a frameshift predicted to result in premature protein truncation.

GeneDx
Classification: Pathogenic. Last evaluated: 2015-02-06. Review status: criteria provided, single submitter. Criteria: GeneDx Variant Classification (06012015). Collection method: clinical testing. Allele origin: germline. Affected: yes.
Comment: This deletion of one nucleotide in PALB2 is denoted c.1465delT at the cDNA level and p.Ser489LeufsX72 (S489LfsX72) at the protein level. The normal sequence, with the base that is deleted in brackets, is CAGC[T]CTCC. The deletion causes a frameshift, which changes a Serine to a Leucine at codon 489, and creates a premature stop codon at position 72 of the new reading frame. Although this variant has not, to our knowledge, been reported in the literature, it is predicted to cause loss of normal protein function through either protein truncation or nonsense-mediated mRNA decay. we consider this variant to be pathogenic.